The following is an entry in ClinVar:

ClinVar aggregate classification (germline): Likely pathogenic. Review status: criteria provided, single submitter (1 of 4 stars). 2 submissions from 2 submitters: Likely pathogenic (1). 1 of the submissions does not count toward it. Last evaluated 2023-01-19.

Conditions:
DDX41-related disorder. Also called: DDX41-related condition.
DDX41-related hematologic malignancy predisposition syndrome. Also called: Myeloproliferative/lymphoproliferative neoplasms, familial (multiple types), susceptibility to; DDX41-Associated Familial Myelodysplastic Syndrome and Acute Myeloid Leukemia. Identifiers: Orphanet 488647, MedGen C4225174, MONDO:0014809, OMIM 616871.

Submissions (2):

Baylor Genetics
Classification: Likely pathogenic for DDX41-related hematologic malignancy predisposition syndrome. Last evaluated: 2023-01-19. Review status: criteria provided, single submitter. Criteria: ACMG Guidelines, 2015. Collection method: clinical testing. Allele origin: unknown.

PreventionGenetics, part of Exact Sciences
Classification: Likely pathogenic for DDX41-related condition. Last evaluated: 2024-01-10. Review status: no assertion criteria provided. Collection method: clinical testing. Allele origin: germline. Not counted in ClinVar's aggregate classification.
Comment: The DDX41 c.575delT variant is predicted to result in a frameshift and premature protein termination (p.Ile192Thrfs*2). To our knowledge, this variant has not been reported in the literature or in a large population database, indicating this variant is rare. This variant has been interpreted as likely pathogenic by one laboratory in ClinVar. Frameshift variants in DDX41 are expected to be pathogenic. This variant is interpreted as likely pathogenic.

NM_016222.4(DDX41):c.575del (p.Ile192fs)

Gene: DDX41 (DEAD-box helicase 41; minus strand). Cytogenetic location: 5q35.3.
Variant type: Deletion.
Coding change: c.575del on transcript NM_016222.4 (MANE Select); coding-DNA position 575, one base deleted (T; older notation c.575delT).
Protein change: p.Ile192fs; shifts the reading frame from isoleucine 192.
Molecular consequence: frameshift variant.
Genome position (GRCh38, 1-based): chr5:177,515,255, A deleted on the plus strand (T on the coding strand, the reverse complement: DDX41 is on the minus strand). VCF-style (leftmost placement, unchanged base first): chr5-177515254-GA-G. GRCh37 (hg19) VCF-style: chr5-176942255-GA-G.
Other names: c.575delT (NM_016222.3); c.197del, p.Ile66fs (NM_001321732.2, NM_001321830.2); short protein forms I192fs, I66fs.
Identifiers: ClinVar variation 2674796 (VCV002674796.3), dbSNP rs2532085882, ClinGen allele CA2695198796.
Genomic context (GRCh38, chr5:177,515,254, plus strand): 5'-GATGCCCTGGATCTGAATGGGTGTTGGGTGGTGAATGCCTTTCTTCTTCAGGCCTCTCAG[GA>G]TGGCTATGAAAACCAACCGACATCGTCTTCATGACTCACAGGTACTTTCTCAGAGCCCCA-3'